The following is an entry in ClinVar:

NM_138694.4(PKHD1):c.7362T>A (p.Cys2454Ter)

Gene: PKHD1 (PKHD1 ciliary IPT domain containing fibrocystin/polyductin; minus strand). Cytogenetic location: 6p12.2.
Variant type: single nucleotide variant.
Coding change: c.7362T>A on transcript NM_138694.4 (MANE Select); coding-DNA position 7362, T replaced by A.
Protein change: p.Cys2454Ter; replaces cysteine 2454 with a stop codon.
Molecular consequence: nonsense.
Genome position (GRCh38, 1-based): chr6:51,870,628, A>T on the plus strand (T>A on the coding strand, the complement: PKHD1 is on the minus strand). VCF-style: chr6-51870628-A-T. GRCh37 (hg19) VCF-style: chr6-51735426-A-T.
Other names: c.7362T>A, p.Cys2454Ter (NM_170724.3); short protein forms C2454*.
Identifiers: ClinVar variation 5015857 (VCV005015857.1).
Genomic context (GRCh38, chr6:51,870,628, plus strand): 5'-AAAGGTTGTGTTAGACACCATCAGTTCCCATCTTTTAGGAGTTTTAATCCCAGATGACAT[A>T]CACAGACTTCCCTGTGATTTAAAAGAAAAAAAGATGAAAGCAAAATAAGAAAACTGGACA-3'

ClinVar aggregate classification (germline): Pathogenic (1 of 4 stars; one submission).

Conditions:
Polycystic kidney disease 4 (PKD4). Also called: PKD3; Autosomal Recessive Polycystic Kidney Disease – PKHD1; POLYCYSTIC KIDNEY AND HEPATIC DISEASE 1; POLYCYSTIC KIDNEY DISEASE, INFANTILE, TYPE I; POLYCYSTIC KIDNEY DISEASE 4 WITH OR WITHOUT POLYCYSTIC LIVER DISEASE. Identifiers: MedGen C4540575, MONDO:0033004, OMIM 263200.

Submission:

Myriad Genetics, Inc.
Classification: Pathogenic for Polycystic kidney disease 4. Last evaluated: 2026-05-02. Review status: criteria provided, single submitter. Criteria: Myriad Autosomal Dominant, Autosomal Recessive and X-Linked Classification Criteria (2023). Collection method: clinical testing. Allele origin: unknown.
Comment: NM_138694.3(PKHD1):c.7362T>A(C2454*) is expected to be pathogenic in the context of autosomal recessive polycystic kidney disease, PKHD1-related. This variant is predicted to lead to an abnormal or absent protein product due to the creation of a premature termination codon in PKHD1, a gene where loss-of-function variants are known to be pathogenic. Please note: this variant was assessed in the context of healthy population screening.